The following is an entry in ClinVar:

ClinVar aggregate classification (germline): Uncertain significance (1 of 4 stars; one submission).

Submission:

Labcorp Genetics (formerly Invitae), Labcorp
Classification: Uncertain significance. Last evaluated: 2025-07-21. Review status: criteria provided, single submitter. Criteria: Invitae Variant Classification Sherloc (09022015). Collection method: clinical testing. Allele origin: germline.
Comment: This sequence change replaces valine, which is neutral and non-polar, with leucine, which is neutral and non-polar, at codon 106 of the FOXP1 protein (p.Val106Leu). This variant is not present in population databases (gnomAD no frequency). This variant has not been reported in the literature in individuals affected with FOXP1-related conditions. Invitae Evidence Modeling of protein sequence and biophysical properties (such as structural, functional, and spatial information, amino acid conservation, physicochemical variation, residue mobility, and thermodynamic stability) indicates that this missense variant is not expected to disrupt FOXP1 protein function with a negative predictive value of 80%. Algorithms developed to predict the effect of sequence changes on RNA splicing suggest that this variant may create or strengthen a splice site. In summary, the available evidence is currently insufficient to determine the role of this variant in disease. Therefore, it has been classified as a Variant of Uncertain Significance.

NM_001349338.3(FOXP1):c.316G>C (p.Val106Leu)

Gene: FOXP1 (forkhead box P1; minus strand). Cytogenetic location: 3p13.
Variant type: single nucleotide variant.
Coding change: c.316G>C on transcript NM_001349338.3 (MANE Select); coding-DNA position 316, G replaced by C.
Protein change: p.Val106Leu; replaces valine 106 with leucine.
Molecular consequence: missense variant. On other transcripts: non-coding transcript variant (2), intron variant (1).
Genome position (GRCh38, 1-based): chr3:71,053,740, C>G on the plus strand (G>C on the coding strand, the complement: FOXP1 is on the minus strand). VCF-style: chr3-71053740-C-G. GRCh37 (hg19) VCF-style: chr3-71102891-C-G.
Other names: c.316G>C, p.Val106Leu (NM_001244808.3, NM_001244810.2, NM_001244814.3 and 4 more transcripts); c.16G>C, p.Val6Leu (NM_001244813.3, NM_001244815.2, NM_001349337.2 and 4 more transcripts); c.283-6645G>C (NM_001244812.3); short protein forms V106L, V6L.
Identifiers: ClinVar variation 4741310 (VCV004741310.1).